The following is an entry in ClinVar:

NM_030805.4(LMAN2L):c.424+11C>T

Gene: LMAN2L (lectin, mannose binding 2 like; minus strand). Cytogenetic location: 2q11.2.
Variant type: single nucleotide variant.
Coding change: c.424+11C>T on transcript NM_030805.4 (MANE Select); 11 bases into the intron after coding-DNA position 424, C replaced by T.
Molecular consequence: intron variant.
Genome position (GRCh38, 1-based): chr2:96,734,398, G>A on the plus strand (C>T on the coding strand, the complement: LMAN2L is on the minus strand). VCF-style: chr2-96734398-G-A. GRCh37 (hg19) VCF-style: chr2-97400135-G-A.
Other names: c.72+11C>T (NM_001322351.2, NM_001322356.2, NM_001322346.2 and 2 more transcripts); c.10+11C>T (NM_001322350.2, NM_001322347.2, NM_001322352.2); c.424+11C>T (NM_001142292.2).
Identifiers: ClinVar variation 1030198 (VCV001030198.1), dbSNP rs2078470068, ClinGen allele CA427510240.
Genomic context (GRCh38, chr2:96,734,398, plus strand): 5'-CTTTTCAAAAAGAGGGCACATGAAAAATCAGGCTGTCACACCCACACAAGAGTAACACAG[G>A]CTCCCAATACCTGGCTGCATCCGATCCTTTGTGTACCAGATTGCCAAGCCATCCCCATGC-3'

ClinVar aggregate classification (germline): Uncertain significance (1 of 4 stars; one submission).

Conditions:
Intellectual developmental disorder, autosomal recessive 52. Also called: Intellectual disability, autosomal recessive 52. Identifiers: Orphanet 88616, MedGen C4225168, MONDO:0014815, OMIM 616887.

Submission:

Baylor Genetics
Classification: Uncertain significance for Intellectual developmental disorder, autosomal recessive 52. Last evaluated: 2020-01-15. Review status: criteria provided, single submitter. Criteria: ACMG Guidelines, 2015. Collection method: clinical testing. Allele origin: unknown. Affected: yes.
Comment: This variant was determined to be of uncertain significance according to ACMG Guidelines, 2015 [PMID:25741868].